The following is an entry in ClinVar:

ClinVar aggregate classification (germline): Uncertain significance (1 of 4 stars; one submission).

Conditions:
LEPR-related disorder. Also called: LEPR-related condition; LEPR-related disorders.

Allele frequency attached by ClinVar (database versions not stated): ExAC 0.00002; gnomAD exomes 0.00002; TOPMed 0.00002.
gnomAD v4.1: 35 of 1,613,254 alleles (0.0022%); highest among the groups gnomAD compares: Non-Finnish European, 0.0028%; no homozygotes.

Submission:

PreventionGenetics, part of Exact Sciences
Classification: Uncertain significance for LEPR-related condition. Last evaluated: 2026-06-06. Review status: criteria provided, single submitter. Criteria: ACMG Guidelines, 2015. Collection method: clinical testing. Allele origin: germline.
Comment: The LEPR c.635G>A variant is predicted to result in the amino acid substitution p.Cys212Tyr. This variant was observed in a cohort of individuals with obesity, and in vitro functional studies showed function similar to wild-type levels (Supplemental Data Set, Shah et al. 2023. PubMed ID: 36864747). This variant is reported in 0.0026% of alleles in individuals of European (Non-Finnish) descent in gnomAD. At this time, the clinical significance of this variant is uncertain due to the absence of conclusive functional and genetic evidence.

NM_002303.6(LEPR):c.635G>A (p.Cys212Tyr)

Gene: LEPR (leptin receptor; plus strand). Cytogenetic location: 1p31.3.
Variant type: single nucleotide variant.
Coding change: c.635G>A on transcript NM_002303.6 (MANE Select); coding-DNA position 635, G replaced by A.
Protein change: p.Cys212Tyr; replaces cysteine 212 with tyrosine.
Molecular consequence: missense variant.
Genome position (GRCh38, 1-based): chr1:65,592,797, G>A. VCF-style: chr1-65592797-G-A. GRCh37 (hg19) VCF-style: chr1-66058480-G-A.
Other names: c.635G>A, p.Cys212Tyr (NM_001003679.3, NM_001003680.3, NM_001198687.2 and 2 more transcripts); short protein forms C212Y.
Identifiers: ClinVar variation 2631977 (VCV002631977.3), dbSNP rs546395341, ClinGen allele CA894606.